The following is an entry in ClinVar:

ClinVar aggregate classification (germline): Benign/Likely benign. Review status: criteria provided, multiple submitters, no conflicts (2 of 4 stars). 5 submissions from 5 submitters: Benign (1); Likely benign (3). 1 of the submissions does not count toward it. Last evaluated 2025-09-24.

Conditions:
ACADS-related disorder. Also called: ACADS-related condition.

Allele frequency attached by ClinVar (database versions not stated): gnomAD exomes 0.00019; ExAC 0.00024; 1000 Genomes Project 30x 0.00031; 1000 Genomes Project 0.00040; gnomAD 0.00067 and 0.00075; TOPMed 0.00081; ESP Exome Variant Server 0.00131.

Submissions (5):

Women's Health and Genetics/Laboratory Corporation of America, LabCorp
Classification: Likely benign. Last evaluated: 2025-09-24. Review status: criteria provided, single submitter. Criteria: LabCorp Variant Classification Summary - May 2015. Collection method: clinical testing. Allele origin: germline.

Mayo Clinic Laboratories, Mayo Clinic
Classification: Likely benign. Last evaluated: 2025-03-25. Review status: criteria provided, single submitter. Criteria: ACMG Guidelines, 2015. Collection method: clinical testing. Allele origin: germline. Observed: 1 variant allele.
Comment: BS1, BP4, BP7

CeGaT Center for Human Genetics Tuebingen
Classification: Likely benign. Last evaluated: 2024-05-01. Review status: criteria provided, single submitter. Criteria: CeGaT Center For Human Genetics Tuebingen Variant Classification Criteria Version 2. Collection method: clinical testing. Allele origin: germline. Affected: yes. Observed: 1 variant allele.
Comment: ACADS: BP4, BP7

Labcorp Genetics (formerly Invitae), Labcorp
Classification: Benign. Last evaluated: 2018-03-30. Review status: criteria provided, single submitter. Criteria: Invitae Variant Classification Sherloc (09022015). Collection method: clinical testing. Allele origin: germline.

PreventionGenetics, part of Exact Sciences
Classification: Likely benign for ACADS-related condition. Last evaluated: 2024-02-06. Review status: no assertion criteria provided. Collection method: clinical testing. Allele origin: germline. Not counted in ClinVar's aggregate classification.
Comment: This variant is classified as likely benign based on ACMG/AMP sequence variant interpretation guidelines (Richards et al. 2015 PMID: 25741868, with internal and published modifications).

NM_000017.4(ACADS):c.654A>C (p.Pro218=)

Gene: ACADS (acyl-CoA dehydrogenase short chain; plus strand). Cytogenetic location: 12q24.31.
Variant type: single nucleotide variant.
Coding change: c.654A>C on transcript NM_000017.4 (MANE Select); coding-DNA position 654, A replaced by C.
Protein change: p.Pro218=; no amino-acid change (proline 218 retained).
Molecular consequence: synonymous variant.
Genome position (GRCh38, 1-based): chr12:120,738,309, A>C. VCF-style: chr12-120738309-A-C. GRCh37 (hg19) VCF-style: chr12-121176112-A-C.
Other names: p.Pro218=; c.642A>C, p.Pro214= (NM_001302554.2).
Identifiers: ClinVar variation 722142 (VCV000722142.24), dbSNP rs149430391, ClinGen allele CA6831027.